The following is an entry in ClinVar:

ClinVar aggregate classification (germline): Likely pathogenic (1 of 4 stars; one submission).

Conditions:
Dilated cardiomyopathy 1G (CMD1G). Identifiers: Orphanet 154, MedGen C1858763, MONDO:0011400, OMIM 604145.
Autosomal recessive limb-girdle muscular dystrophy type 2J (LGMDR10). Also called: Limb-girdle muscular dystrophy, type 2J; MUSCULAR DYSTROPHY, LIMB-GIRDLE, AUTOSOMAL RECESSIVE 10. Identifiers: Orphanet 140922, MedGen C1837342, MONDO:0012127, OMIM 608807.

Submission:

Labcorp Genetics (formerly Invitae), Labcorp
Classification: Likely pathogenic for Dilated cardiomyopathy 1G; Autosomal recessive limb-girdle muscular dystrophy type 2J. Last evaluated: 2023-05-22. Review status: criteria provided, single submitter. Criteria: Invitae Variant Classification Sherloc (09022015). Collection method: clinical testing. Allele origin: germline.
Comment: In summary, the currently available evidence indicates that the variant is pathogenic, but additional data are needed to prove that conclusively. Therefore, this variant has been classified as Likely Pathogenic. This variant is located in the A band of TTN (PMID: 25589632). Truncating variants in this region are significantly overrepresented in patients affected with dilated cardiomyopathy (PMID: 25589632). Truncating variants in this region have also been reported in individuals affected with autosomal recessive centronuclear myopathy (PMID: 23975875). This sequence change creates a premature translational stop signal (p.Leu29283*) in the TTN gene. While this is not anticipated to result in nonsense mediated decay, it is expected to create a truncated TTN protein. This variant has not been reported in the literature in individuals affected with TTN-related conditions. This variant is not present in population databases (gnomAD no frequency).

Literature cited by the submitters: PubMed 25589632; PubMed 23975875.

NM_001267550.2(TTN):c.87848T>G (p.Leu29283Ter)

Genes: TTN (titin; minus strand), TTN-AS1 (TTN antisense RNA 1; plus strand). Cytogenetic location: 2q31.2.
Variant type: single nucleotide variant.
Coding change: c.87848T>G on transcript NM_001267550.2 (MANE Select); coding-DNA position 87848, T replaced by G.
Protein change: p.Leu29283Ter; replaces leucine 29283 with a stop codon.
Molecular consequence: nonsense.
Genome position (GRCh38, 1-based): chr2:178,557,414, A>C on the plus strand (T>G on the coding strand, the complement: TTN is on the minus strand). VCF-style: chr2-178557414-A-C. GRCh37 (hg19) VCF-style: chr2-179422141-A-C.
Other names: c.82925T>G, p.Leu27642Ter (NM_001256850.1); c.60653T>G, p.Leu20218Ter (NM_003319.4); c.80144T>G, p.Leu26715Ter (NM_133378.4); c.61028T>G, p.Leu20343Ter (NM_133432.3); c.61229T>G, p.Leu20410Ter (NM_133437.4); short protein forms L20343*, L20410*, L20218*, L26715*, L27642*, L29283*.
Identifiers: ClinVar variation 2945885 (VCV002945885.3), dbSNP rs2469527431, ClinGen allele CA349533830.